The following is an entry in ClinVar:

ClinVar aggregate classification (germline): Uncertain significance (1 of 4 stars; one submission).

Conditions:
Cardiovascular phenotype. Identifiers: MedGen CN230736.

Submission:

Ambry Genetics
Classification: Uncertain significance for Cardiovascular phenotype. Last evaluated: 2024-08-15. Review status: criteria provided, single submitter. Criteria: Ambry Variant Classification Scheme 2023. Collection method: clinical testing. Allele origin: germline.
Comment: The c.613_614delTCinsAA variant (also known as p.S205N), located in coding exon 5 of the SCN4B gene, results from an in-frame deletion of TC and insertion of AA at nucleotide positions 613 to 614. This results in the substitution of the serine residue for an asparagine residue at codon 205, an amino acid with highly similar properties. This amino acid position is highly conserved in available vertebrate species. In addition, this alteration is predicted to be neutral by in silico analysis (Choi Y et al. PLoS ONE. 2012; 7(10):e46688). The evidence for this gene-disease relationship is limited; therefore, the clinical significance of this alteration is unclear.

NM_174934.4(SCN4B):c.613_614delinsAA (p.Ser205Asn)

Gene: SCN4B (sodium voltage-gated channel beta subunit 4; minus strand). Cytogenetic location: 11q23.3.
Variant type: Indel.
Coding change: c.613_614delinsAA on transcript NM_174934.4 (MANE Select); coding-DNA positions 613 to 614, TC replaced by AA.
Protein change: p.Ser205Asn; replaces serine 205 with asparagine.
Molecular consequence: missense variant. On other transcripts: non-coding transcript variant (1).
Genome position (GRCh38, 1-based): chr11:118,137,100-118,137,101, GA replaced by TT on the plus strand (TC replaced by AA on the coding strand, the reverse complement: SCN4B is on the minus strand). VCF-style: chr11-118137100-GA-TT. GRCh37 (hg19) VCF-style: chr11-118007815-GA-TT.
Other names: c.211_212delinsAA, p.Ser71Asn (NM_001142348.2); c.283_284delinsAA, p.Ser95Asn (NM_001142349.2); short protein forms S205N, S71N, S95N.
Identifiers: ClinVar variation 3438241 (VCV003438241.1).